The following is an entry in ClinVar:

ClinVar aggregate classification (germline): Uncertain significance (1 of 4 stars; one submission).

Submission:

Mayo Clinic Laboratories, Mayo Clinic
Classification: Uncertain significance. Last evaluated: 2023-05-26. Review status: criteria provided, single submitter. Criteria: ACMG Guidelines, 2015. Collection method: clinical testing. Allele origin: germline. Observed: 1 variant allele.
Comment: BP4, PM2

NM_015272.5(RPGRIP1L):c.3428C>T (p.Thr1143Ile)

Gene: RPGRIP1L (RPGRIP1 like; minus strand). Cytogenetic location: 16q12.2.
Variant type: single nucleotide variant.
Coding change: c.3428C>T on transcript NM_015272.5 (MANE Select); coding-DNA position 3428, C replaced by T.
Protein change: p.Thr1143Ile; replaces threonine 1143 with isoleucine.
Molecular consequence: missense variant. On other transcripts: intron variant (2).
Genome position (GRCh38, 1-based): chr16:53,622,223, G>A on the plus strand (C>T on the coding strand, the complement: RPGRIP1L is on the minus strand). VCF-style: chr16-53622223-G-A. GRCh37 (hg19) VCF-style: chr16-53656135-G-A.
Other names: p.Thr1143Ile; c.3326C>T, p.Thr1109Ile (NM_001330538.2); c.3193-3015C>T (NM_001127897.4); c.3295-3015C>T (NM_001308334.3); short protein forms T1109I, T1143I.
Identifiers: ClinVar variation 2683368 (VCV002683368.1), dbSNP rs111775292, ClinGen allele CA395923937.
Genomic context (GRCh38, chr16:53,622,223, plus strand): 5'-GACCAGCATGGCCAACATAGTGAAACCCCGTCTCTGCTAAAATTACAAAAAATTACCTGG[G>A]TGTGGTGGCAGGCACCTGTAATCCCATCTACTTGGGAGGCTGAGGCAGGAAAATCGCTGG-3'
Protein context (NP_056087.2, residues 1133-1153): VDGITGACHH[Thr1143Ile]QPSEKIRIEI